The following is an entry in ClinVar:

NM_000368.5(TSC1):c.2025C>G (p.Asp675Glu)

Gene: TSC1 (TSC complex subunit 1; minus strand). Cytogenetic location: 9q34.13.
Variant type: single nucleotide variant.
Coding change: c.2025C>G on transcript NM_000368.5 (MANE Select); coding-DNA position 2025, C replaced by G.
Protein change: p.Asp675Glu; replaces aspartic acid 675 with glutamic acid.
Molecular consequence: missense variant. On other transcripts: non-coding transcript variant (5).
Genome position (GRCh38, 1-based): chr9:132,904,427, G>C on the plus strand (C>G on the coding strand, the complement: TSC1 is on the minus strand). VCF-style: chr9-132904427-G-C. GRCh37 (hg19) VCF-style: chr9-135779814-G-C.
Other names: c.1662C>G, p.Asp554Glu (NM_001362177.2, NM_001406614.1, NM_001406615.1 and 5 more transcripts); c.2025C>G, p.Asp675Glu (NM_001406592.1, NM_001406593.1, NM_001406594.1 and 7 more transcripts); c.2022C>G, p.Asp674Glu (NM_001406597.1, NM_001406598.1, NM_001406599.1 and 6 more transcripts); c.1872C>G, p.Asp624Glu (NM_001406610.1, NM_001162427.2); c.1869C>G, p.Asp623Glu (NM_001406611.1, NM_001406612.1, NM_001406613.1); c.972C>G, p.Asp324Glu (NM_001406629.1, NM_001406630.1); c.1659C>G, p.Asp553Glu (NM_001406620.1, NM_001406621.1, NM_001406622.1 and 2 more transcripts); c.1074C>G, p.Asp358Glu (NM_001406626.1); and 1 more; short protein forms D324E, D674E, D357E, D358E, D553E, D554E, D624E, D675E.
Identifiers: ClinVar variation 3462446 (VCV003462446.3).
Genomic context (GRCh38, chr9:132,904,427, plus strand): 5'-AGGAACCATGTGGGCTGGATTTGGAGCTAAAGTAACAACTTTACCTCCAAAGTGGGTCCA[G>C]TCGACAGACTTGCTGGGTAAAGGCAACCTAGGAAGAAAGTTTTTGAGTAACAAAGTTACC-3'
Protein context (NP_000359.1, residues 665-685): NKLPLPSKSV[Asp675Glu]WTHFGGSPPS

ClinVar aggregate classification (germline): Uncertain significance. Review status: criteria provided, multiple submitters, no conflicts (2 of 4 stars). 2 submissions from 2 submitters: Uncertain significance (2). Last evaluated 2024-07-16.

Conditions:
Tuberous sclerosis 1 (TSC1). Identifiers: Orphanet 805, MedGen C1854465, MONDO:0008612, OMIM 191100.
Hereditary cancer-predisposing syndrome. Also called: Hereditary Cancer Syndrome; Hereditary neoplastic syndrome; Neoplastic Syndromes, Hereditary; Tumor predisposition. Identifiers: Orphanet 140162, MedGen C0027672, MeSH D009386, MONDO:0015356.

gnomAD v4.1: 1 of 1,614,050 alleles (0.000062%); highest among the groups gnomAD compares: Non-Finnish European, 0.000085%; no homozygotes.

Submissions (2):

Labcorp Genetics (formerly Invitae), Labcorp
Classification: Uncertain significance for Tuberous sclerosis 1. Last evaluated: 2024-07-16. Review status: criteria provided, single submitter. Criteria: Invitae Variant Classification Sherloc (09022015). Collection method: clinical testing. Allele origin: germline.
Comment: This sequence change replaces aspartic acid, which is acidic and polar, with glutamic acid, which is acidic and polar, at codon 675 of the TSC1 protein (p.Asp675Glu). This variant is not present in population databases (gnomAD no frequency). This variant has not been reported in the literature in individuals affected with TSC1-related conditions. Advanced modeling of protein sequence and biophysical properties (such as structural, functional, and spatial information, amino acid conservation, physicochemical variation, residue mobility, and thermodynamic stability) performed at Invitae indicates that this missense variant is not expected to disrupt TSC1 protein function with a negative predictive value of 95%. In summary, the available evidence is currently insufficient to determine the role of this variant in disease. Therefore, it has been classified as a Variant of Uncertain Significance.

Ambry Genetics
Classification: Uncertain significance for Hereditary cancer-predisposing syndrome. Last evaluated: 2024-06-30. Review status: criteria provided, single submitter. Criteria: Ambry Variant Classification Scheme 2023. Collection method: clinical testing. Allele origin: germline.
Comment: The p.D675E variant (also known as c.2025C>G), located in coding exon 14 of the TSC1 gene, results from a C to G substitution at nucleotide position 2025. The aspartic acid at codon 675 is replaced by glutamic acid, an amino acid with highly similar properties. This amino acid position is conserved. In addition, the in silico prediction for this alteration is inconclusive. Based on the available evidence, the clinical significance of this variant remains unclear.